The following is an entry in ClinVar:

NM_006892.4(DNMT3B):c.8del (p.Gly3fs)

Gene: DNMT3B (DNA methyltransferase 3 beta; plus strand). Cytogenetic location: 20q11.21.
Variant type: Deletion.
Coding change: c.8del on transcript NM_006892.4 (MANE Select); coding-DNA position 8, one base deleted (G; older notation c.8delG).
Protein change: p.Gly3fs; shifts the reading frame from glycine 3.
Molecular consequence: frameshift variant.
Genome position (GRCh38, 1-based): chr20:32,780,331, G deleted; the last of 3 consecutive G bases (chr20:32,780,329-32,780,331); deleting any one gives the same sequence. VCF-style (leftmost placement, unchanged base first): chr20-32780328-AG-A. GRCh37 (hg19) VCF-style: chr20-31368134-AG-A.
Other names: c.8del, p.Gly3fs (NM_001207055.2, NM_001207056.2, NM_001424351.1 and 9 more transcripts); c.44del, p.Gly15fs (NM_001424359.1, NM_001424360.1, NM_175850.3); short protein forms G3fs, G15fs.
Identifiers: ClinVar variation 4711801 (VCV004711801.1).

ClinVar aggregate classification (germline): Pathogenic (1 of 4 stars; one submission).

Conditions:
Centromeric instability of chromosomes 1,9 and 16 and immunodeficiency (ICF1). Also called: IMMUNE DEFICIENCY, VARIABLE, WITH CENTROMERIC INSTABILITY OF CHROMOSOMES 1, 9, AND 16; IMMUNODEFICIENCY SYNDROME, VARIABLE; Immunodeficiency-centromeric instability-facial anomalies; CENTROMERIC INSTABILITY, IMMUNODEFICIENCY SYNDROME. Identifiers: Orphanet 2268, MedGen C0398788, MONDO:0000133.

Submission:

Labcorp Genetics (formerly Invitae), Labcorp
Classification: Pathogenic for Centromeric instability of chromosomes 1,9 and 16 and immunodeficiency. Last evaluated: 2025-05-21. Review status: criteria provided, single submitter. Criteria: Invitae Variant Classification Sherloc (09022015). Collection method: clinical testing. Allele origin: germline.
Comment: This sequence change creates a premature translational stop signal (p.Gly3Glufs*62) in the DNMT3B gene. It is expected to result in an absent or disrupted protein product. Loss-of-function variants in DNMT3B are known to be pathogenic (PMID: 11102980). This variant is not present in population databases (gnomAD no frequency). This variant has not been reported in the literature in individuals affected with DNMT3B-related conditions. For these reasons, this variant has been classified as Pathogenic.

Literature cited by the submitters: PubMed 11102980.